The following is an entry in ClinVar:

NC_000001.10:g.(?_53413661)_(53516376_?)dup

Gene: SCP2 (sterol carrier protein 2; plus strand). Cytogenetic location: 1p32.3.
Variant type: Duplication.
Identifiers: ClinVar variation 2424593 (VCV002424593.3).

ClinVar aggregate classification (germline): Uncertain significance (1 of 4 stars; one submission).

Submission:

Labcorp Genetics (formerly Invitae), Labcorp
Classification: Uncertain significance. Last evaluated: 2022-02-22. Review status: criteria provided, single submitter. Criteria: Invitae Variant Classification Sherloc (09022015). Collection method: clinical testing. Allele origin: germline.
Comment: This variant results in a copy number gain of the genomic region encompassing exon(s) 3-16 of the SCP2 gene. This region includes the termination codon of the gene. This copy number gain extends beyond the assayed region for this gene and therefore may encompass additional genes. As the precise location of this event is unknown, it may be in tandem or it may be located elsewhere in the genome. This variant has not been reported in the literature in individuals affected with SCP2-related conditions. Experimental studies and prediction algorithms are not available or were not evaluated, and the functional significance of this variant is currently unknown. In summary, the available evidence is currently insufficient to determine the role of this variant in disease. Therefore, it has been classified as a Variant of Uncertain Significance.